The following is an entry in ClinVar:

NM_001020658.2(PUM1):c.2422A>G (p.Ser808Gly)

Gene: PUM1 (pumilio RNA binding family member 1; minus strand). Cytogenetic location: 1p35.2.
Variant type: single nucleotide variant.
Coding change: c.2422A>G on transcript NM_001020658.2 (MANE Select); coding-DNA position 2422, A replaced by G.
Protein change: p.Ser808Gly; replaces serine 808 with glycine.
Molecular consequence: missense variant.
Genome position (GRCh38, 1-based): chr1:30,953,883, T>C on the plus strand (A>G on the coding strand, the complement: PUM1 is on the minus strand). VCF-style: chr1-30953883-T-C. GRCh37 (hg19) VCF-style: chr1-31426730-T-C.
Other names: c.2422A>G, p.Ser808Gly (NM_014676.3); short protein forms S808G.
Identifiers: ClinVar variation 3774910 (VCV003774910.1).

ClinVar aggregate classification (germline): Uncertain significance (1 of 4 stars; one submission).

Submission:

GeneDx
Classification: Uncertain significance. Last evaluated: 2024-09-29. Review status: criteria provided, single submitter. Criteria: GeneDx Variant Classification Process June 2021. Collection method: clinical testing. Allele origin: germline. Affected: yes.
Comment: Not observed at significant frequency in large population cohorts (gnomAD); In silico analysis indicates that this missense variant does not alter protein structure/function; Has not been previously published as pathogenic or benign to our knowledge